The following is an entry in ClinVar:

NM_001365536.1(SCN9A):c.127G>A (p.Asp43Asn)

Gene: SCN9A (sodium voltage-gated channel alpha subunit 9; minus strand). Cytogenetic location: 2q24.3.
Variant type: single nucleotide variant.
Coding change: c.127G>A on transcript NM_001365536.1 (MANE Select); coding-DNA position 127, G replaced by A.
Protein change: p.Asp43Asn; replaces aspartic acid 43 with asparagine.
Molecular consequence: missense variant.
Genome position (GRCh38, 1-based): chr2:166,311,630, C>T on the plus strand (G>A on the coding strand, the complement: SCN9A is on the minus strand). VCF-style: chr2-166311630-C-T. GRCh37 (hg19) VCF-style: chr2-167168140-C-T.
Other names: c.127G>A, p.Asp43Asn (NM_002977.4); short protein forms D43N.
Identifiers: ClinVar variation 2949819 (VCV002949819.3), dbSNP rs866960803, ClinGen allele CA59810405.
Genomic context (GRCh38, chr2:166,311,630, plus strand): 5'-AGATGAAGGGCAGCTGTTTGCCAGCTTCCAAGTCACTGCTTGGCTTTGGGGCTTCTTCAT[C>T]ATCATCTTTCTTTTCTTCTTTGGGTTCCTTTGATTTTCTTTCAGCAATGCGTTGTTCAAT-3'
Protein context (NP_001352465.1, residues 33-53): KEPKEEKKDD[Asp43Asn]EEAPKPSSDL

ClinVar aggregate classification (germline): Uncertain significance (1 of 4 stars; one submission).

Conditions:
Neuropathy, hereditary sensory and autonomic, type 2A (HSAN2A). Also called: ACROOSTEOLYSIS, GIACCAI TYPE; ACROOSTEOLYSIS, NEUROGENIC; MORVAN DISEASE; NEUROPATHY, CONGENITAL SENSORY; NEUROPATHY, HEREDITARY SENSORY RADICULAR, AUTOSOMAL RECESSIVE; NEUROPATHY, HEREDITARY SENSORY, TYPE IIA. Identifiers: Orphanet 970, MedGen C2752089, MONDO:0024309, OMIM 201300.
Generalized epilepsy with febrile seizures plus, type 7 (GEFSP7). Also called: GEFS+, TYPE 7. Identifiers: Orphanet 36387, MedGen C2751778, MONDO:0013470, OMIM 613863.

Submission:

Labcorp Genetics (formerly Invitae), Labcorp
Classification: Uncertain significance for Neuropathy, hereditary sensory and autonomic, type 2A; Generalized epilepsy with febrile seizures plus, type 7. Last evaluated: 2023-07-13. Review status: criteria provided, single submitter. Criteria: Invitae Variant Classification Sherloc (09022015). Collection method: clinical testing. Allele origin: germline.
Comment: In summary, the available evidence is currently insufficient to determine the role of this variant in disease. Therefore, it has been classified as a Variant of Uncertain Significance. Advanced modeling of protein sequence and biophysical properties (such as structural, functional, and spatial information, amino acid conservation, physicochemical variation, residue mobility, and thermodynamic stability) performed at Invitae indicates that this missense variant is not expected to disrupt SCN9A protein function. This variant has not been reported in the literature in individuals affected with SCN9A-related conditions. This variant is not present in population databases (gnomAD no frequency). This sequence change replaces aspartic acid, which is acidic and polar, with asparagine, which is neutral and polar, at codon 43 of the SCN9A protein (p.Asp43Asn).